The following is an entry in ClinVar:

ClinVar aggregate classification (germline): Likely pathogenic. Review status: criteria provided, multiple submitters, no conflicts (2 of 4 stars). 4 submissions from 4 submitters: Likely pathogenic (3). 1 of the submissions does not count toward it. Last evaluated 2026-07-03.

Conditions:
CSTA-related disorder. Also called: CSTA-related condition.
Peeling skin syndrome 4 (PSS4). Also called: Ichthyosis bullosa of Siemens-like. Identifiers: Orphanet 289586, MedGen C4225407, MONDO:0011937, OMIM 607936.

Allele frequency attached by ClinVar (database versions not stated): gnomAD exomes 0.00003 and 0.00008; gnomAD 0.00005; TOPMed 0.00006; ESP Exome Variant Server 0.00008; ExAC 0.00009.
gnomAD v4.1: 46 of 1,613,596 alleles (0.0029%); highest among the groups gnomAD compares: Admixed American, 0.032%; no homozygotes.

Submissions (4):

PreventionGenetics, part of Exact Sciences
Classification: Likely pathogenic for CSTA-related condition. Last evaluated: 2026-07-03. Review status: criteria provided, single submitter. Criteria: ACMG Guidelines, 2015. Collection method: clinical testing. Allele origin: germline.
Comment: The CSTA c.172C>T variant is predicted to result in premature protein termination (p.Arg58*). This variant has been reported in the homozygous state in a patient with congenital erythroderma, hyperhidrosis and diffuse hyperkeratosis with coarse palmoplantar peeling of the skin (Moosbrugger-Martinz et al 2015. PubMed ID: 25400170). This variant is located in the terminal exon and is therefore not expected to lead to nonsense-mediated mRNA decay. It is, however, expected to result in the loss of the last 41 amino acids of the protein. Another predicted premature truncation variant (c.256C>T, p.Gln86*) has been reported, in the homozygous state, downstream of this variant within the same exon in an individual with exfoliative ichthyosis (Blaydon et al. 2011. PubMed ID: 21944047). This variant is reported in 0.034% of alleles in individuals of Latino descent in gnomAD. Taken together, this variant is interpreted as likely pathogenic.

GeneDx
Classification: Likely pathogenic. Last evaluated: 2025-05-13. Review status: criteria provided, single submitter. Criteria: GeneDx Variant Classification Process June 2021. Collection method: clinical testing. Allele origin: germline. Affected: yes.
Comment: Nonsense variant predicted to result in protein truncation, as the last 41 amino acid(s) are lost, and other loss-of-function variants have been reported downstream in [HGMD]; This variant is associated with the following publications: (PMID: 25400170, 31589614)

Laboratorio de Genetica e Diagnostico Molecular, Hospital Israelita Albert Einstein
Classification: Likely pathogenic for Peeling skin syndrome 4. Last evaluated: 2023-08-26. Review status: criteria provided, single submitter. Criteria: ACMG Guidelines, 2015. Collection method: clinical testing. Allele origin: germline. Affected: yes.
Comment: ACMG classification criteria: PVS1 strong, PM2 supporting, PM3 moderate

OMIM
Classification: Pathogenic for PEELING SKIN SYNDROME 4. Last evaluated: 2015-06-01. Review status: no assertion criteria provided. Collection method: literature only. Allele origin: germline. Not counted in ClinVar's aggregate classification.

Literature cited by the submitters: PubMed 25400170 (cited by OMIM).

NM_005213.4(CSTA):c.172C>T (p.Arg58Ter)

Gene: CSTA (cystatin A; plus strand). Cytogenetic location: 3q21.1.
Variant type: single nucleotide variant.
Coding change: c.172C>T on transcript NM_005213.4 (MANE Select); coding-DNA position 172, C replaced by T.
Protein change: p.Arg58Ter; replaces arginine 58 with a stop codon.
Molecular consequence: nonsense.
Genome position (GRCh38, 1-based): chr3:122,341,442, C>T. VCF-style: chr3-122341442-C-T. GRCh37 (hg19) VCF-style: chr3-122060289-C-T.
Other names: CSTA, ARG58TER (rs149474339); short protein forms R58*.
Identifiers: ClinVar variation 208473 (VCV000208473.7), dbSNP rs149474339, ClinGen allele CA204467.